The following is an entry in ClinVar:

NM_001382567.1(STIM1):c.296A>G (p.His99Arg)

Gene: STIM1 (stromal interaction molecule 1; plus strand). Cytogenetic location: 11p15.4.
Variant type: single nucleotide variant.
Coding change: c.296A>G on transcript NM_001382567.1 (MANE Select); coding-DNA position 296, A replaced by G.
Protein change: p.His99Arg; replaces histidine 99 with arginine.
Molecular consequence: missense variant. On other transcripts: 5 prime UTR variant (3), non-coding transcript variant (3).
Genome position (GRCh38, 1-based): chr11:4,023,898, A>G. VCF-style: chr11-4023898-A-G. GRCh37 (hg19) VCF-style: chr11-4045128-A-G.
Other names: c.296A>G, p.His99Arg (NM_001277961.3, NM_001277962.2, NM_001382568.1 and 3 more transcripts); c.74A>G, p.His25Arg (NM_001382566.1, NM_001382573.1, NM_001382574.1 and 5 more transcripts); c.161A>G, p.His54Arg (NM_001382569.1); c.-73A>G (NM_001382571.1); c.-194A>G (NM_001382580.1, NM_001382581.1); short protein forms H25R, H54R, H99R.
Identifiers: ClinVar variation 2940613 (VCV002940613.3), dbSNP rs2497906067, ClinGen allele CA379485211.
Genomic context (GRCh38, chr11:4,023,898, plus strand): 5'-GTATCTCTTGTGACTTGTGTACTTTTCCCTTGCAGTTCCTGAGGGAAGACCTCAATTACC[A>G]TGACCCAACAGTGAAACACAGCACCTTCCATGGTGAGGATAAGCTCATCAGCGTGGAGGA-3'
Protein context (NP_001369496.1, residues 89-109): DEFLREDLNY[His99Arg]DPTVKHSTFH

ClinVar aggregate classification (germline): Uncertain significance (1 of 4 stars; one submission).

Conditions:
Combined immunodeficiency due to STIM1 deficiency. Also called: IMMUNODEFICIENCY 10; STIM1 DEFICIENCY. Identifiers: Orphanet 169090, Orphanet 317430, MedGen C2748557, MONDO:0013008, OMIM 612783.
Myopathy with tubular aggregates (TAM). Also called: Tubular Aggregate Myopathy. Identifiers: Orphanet 2593, MedGen C0410207, MONDO:0008051.
Stormorken syndrome (STRMK). Also called: THROMBOCYTOPATHY, ASPLENIA, AND MIOSIS. Identifiers: Orphanet 3204, MedGen C1861451, MONDO:0008497, OMIM 185070.

Allele frequency attached by ClinVar (database versions not stated): gnomAD exomes below 0.00001.
gnomAD v4.1: 1 of 1,614,052 alleles (0.000062%); no homozygotes.

Submission:

Labcorp Genetics (formerly Invitae), Labcorp
Classification: Uncertain significance for Myopathy with tubular aggregates; Combined immunodeficiency due to STIM1 deficiency; Stormorken syndrome. Last evaluated: 2023-06-20. Review status: criteria provided, single submitter. Criteria: Invitae Variant Classification Sherloc (09022015). Collection method: clinical testing. Allele origin: germline.
Comment: Advanced modeling of protein sequence and biophysical properties (such as structural, functional, and spatial information, amino acid conservation, physicochemical variation, residue mobility, and thermodynamic stability) has been performed at Invitae for this missense variant, however the output from this modeling did not meet the statistical confidence thresholds required to predict the impact of this variant on STIM1 protein function. This variant has not been reported in the literature in individuals affected with STIM1-related conditions. This variant is not present in population databases (gnomAD no frequency). This sequence change replaces histidine, which is basic and polar, with arginine, which is basic and polar, at codon 99 of the STIM1 protein (p.His99Arg). In summary, the available evidence is currently insufficient to determine the role of this variant in disease. Therefore, it has been classified as a Variant of Uncertain Significance.